The following is an entry in ClinVar:

NM_013275.6(ANKRD11):c.2505C>T (p.Asp835=)

Gene: ANKRD11 (ankyrin repeat domain 11; minus strand). Cytogenetic location: 16q24.3.
Variant type: single nucleotide variant.
Coding change: c.2505C>T on transcript NM_013275.6 (MANE Select); coding-DNA position 2505, C replaced by T.
Protein change: p.Asp835=; no amino-acid change (aspartic acid 835 retained).
Molecular consequence: synonymous variant.
Genome position (GRCh38, 1-based): chr16:89,284,037, G>A on the plus strand (C>T on the coding strand, the complement: ANKRD11 is on the minus strand). VCF-style: chr16-89284037-G-A. GRCh37 (hg19) VCF-style: chr16-89350445-G-A.
Other names: c.2505C>T, p.Asp835= (NM_001256182.2, NM_001256183.2).
Identifiers: ClinVar variation 434195 (VCV000434195.23), dbSNP rs544199816, ClinGen allele CA8242565.

ClinVar aggregate classification (germline): Benign/Likely benign. Review status: criteria provided, multiple submitters, no conflicts (2 of 4 stars). 5 submissions from 5 submitters: Benign (2); Likely benign (3). Last evaluated 2026-02-02.

Conditions:
KBG syndrome (KBGS). Also called: ANKRD11-Related KBG Syndrome. Identifiers: Orphanet 2332, MedGen C0220687, MONDO:0007846, OMIM 148050.

Allele frequency attached by ClinVar (database versions not stated): gnomAD 0.00008 and 0.00014; TOPMed 0.00010; gnomAD exomes 0.00022 and 0.00025; ExAC 0.00026; 1000 Genomes Project 0.00060; 1000 Genomes Project 30x 0.00078.
gnomAD v4.1: 348 of 1,614,132 alleles (0.022%); highest among the groups gnomAD compares: South Asian, 0.13%; no homozygotes.

Submissions (5):

Labcorp Genetics (formerly Invitae), Labcorp
Classification: Benign for KBG syndrome. Last evaluated: 2026-02-02. Review status: criteria provided, single submitter. Criteria: Invitae Variant Classification Sherloc (09022015). Collection method: clinical testing. Allele origin: germline.

CeGaT Center for Human Genetics Tuebingen
Classification: Likely benign. Last evaluated: 2025-03-01. Review status: criteria provided, single submitter. Criteria: CeGaT Center For Human Genetics Tuebingen Variant Classification Criteria Version 2. Collection method: clinical testing. Allele origin: germline. Affected: yes. Observed: 1 variant allele.
Comment: ANKRD11: BP4, BP7

Blueprint Genetics
Classification: Likely benign. Last evaluated: 2024-11-07. Review status: criteria provided, single submitter. Criteria: ACMG Guidelines, 2015. Collection method: clinical testing. Allele origin: germline.

Genome-Nilou Lab
Classification: Benign for KBG syndrome. Last evaluated: 2021-12-05. Review status: criteria provided, single submitter. Criteria: ACMG Guidelines, 2015. Collection method: clinical testing. Allele origin: germline. Affected: no.

Genetic Services Laboratory, University of Chicago
Classification: Likely benign. Last evaluated: 2015-10-02. Review status: criteria provided, single submitter. Criteria: ACMG Guidelines, 2015. Collection method: clinical testing. Allele origin: germline. Affected: no.